The following is an entry in ClinVar:

NM_145199.3(LIPT1):c.892G>C (p.Val298Leu)

Genes: LIPT1 (lipoyltransferase 1; plus strand), MITD1 (microtubule interacting and trafficking domain containing 1; minus strand). Cytogenetic location: 2q11.2.
Variant type: single nucleotide variant.
Coding change: c.892G>C on transcript NM_145199.3 (MANE Select); coding-DNA position 892, G replaced by C.
Protein change: p.Val298Leu; replaces valine 298 with leucine.
Molecular consequence: missense variant. On other transcripts: non-coding transcript variant (2).
Genome position (GRCh38, 1-based): chr2:99,162,849, G>C. VCF-style: chr2-99162849-G-C. GRCh37 (hg19) VCF-style: chr2-99779312-G-C.
Other names: c.892G>C, p.Val298Leu (NM_001204830.2, NM_015929.4, NM_145197.3 and 1 more transcripts); short protein forms V298L.
Identifiers: ClinVar variation 1999330 (VCV001999330.4), dbSNP rs577007421, ClinGen allele CA52676612.
Genomic context (GRCh38, chr2:99,162,849, plus strand): 5'-AAGTTTAGTATAAATACTTCCTTTCATGTGTTATATGAACAGTCACACTTGGAAATTAAA[G>C]TATTCATAGACATAAAGAATGGAAGAATTGAAATTTGTAATATTGAAGCACCTGATCATT-3'
Protein context (NP_660200.1, residues 288-308): LYEQSHLEIK[Val298Leu]FIDIKNGRIE

ClinVar aggregate classification (germline): Uncertain significance (1 of 4 stars; one submission).

Allele frequency attached by ClinVar (database versions not stated): gnomAD exomes below 0.00001; TOPMed 0.00002.
gnomAD v4.1: 2 of 1,613,122 alleles (0.00012%); highest among the groups gnomAD compares: Non-Finnish European, 0.00017%; no homozygotes.

Submission:

Labcorp Genetics (formerly Invitae), Labcorp
Classification: Uncertain significance. Last evaluated: 2022-11-08. Review status: criteria provided, single submitter. Criteria: Invitae Variant Classification Sherloc (09022015). Collection method: clinical testing. Allele origin: germline.
Comment: Advanced modeling of protein sequence and biophysical properties (such as structural, functional, and spatial information, amino acid conservation, physicochemical variation, residue mobility, and thermodynamic stability) performed at Invitae indicates that this missense variant is not expected to disrupt LIPT1 protein function. In summary, the available evidence is currently insufficient to determine the role of this variant in disease. Therefore, it has been classified as a Variant of Uncertain Significance. This sequence change replaces valine, which is neutral and non-polar, with leucine, which is neutral and non-polar, at codon 298 of the LIPT1 protein (p.Val298Leu). This variant is not present in population databases (gnomAD no frequency). This variant has not been reported in the literature in individuals affected with LIPT1-related conditions.